The following is an entry in ClinVar:

ClinVar aggregate classification (germline): Uncertain significance (1 of 4 stars; one submission).

Conditions:
Inborn genetic diseases. Identifiers: MedGen C0950123, MeSH D030342.

Submission:

Ambry Genetics
Classification: Uncertain significance for Inborn genetic diseases. Last evaluated: 2025-02-05. Review status: criteria provided, single submitter. Criteria: Ambry Variant Classification Scheme 2023. Collection method: clinical testing. Allele origin: germline.
Comment: The p.A335D variant (also known as c.1004C>A), located in coding exon 8 of the FANCG gene, results from a C to A substitution at nucleotide position 1004. The alanine at codon 335 is replaced by aspartic acid, an amino acid with dissimilar properties. This amino acid position is conserved. In addition, this alteration is predicted to be tolerated by in silico analysis. Based on the available evidence, the clinical significance of this variant remains unclear.

NM_004629.2(FANCG):c.1004C>A (p.Ala335Asp)

Gene: FANCG (FA complementation group G; minus strand). Cytogenetic location: 9p13.3.
Variant type: single nucleotide variant.
Coding change: c.1004C>A on transcript NM_004629.2 (MANE Select); coding-DNA position 1004, C replaced by A.
Protein change: p.Ala335Asp; replaces alanine 335 with aspartic acid.
Molecular consequence: missense variant.
Genome position (GRCh38, 1-based): chr9:35,076,504, G>T on the plus strand (C>A on the coding strand, the complement: FANCG is on the minus strand). VCF-style: chr9-35076504-G-T. GRCh37 (hg19) VCF-style: chr9-35076501-G-T.
Other names: short protein forms A335D.
Identifiers: ClinVar variation 3848433 (VCV003848433.1).